The following is an entry in ClinVar:

ClinVar aggregate classification (germline): Likely benign. Review status: criteria provided, single submitter (1 of 4 stars). 2 submissions from 2 submitters: Likely benign (1). 1 of the submissions does not count toward it. Last evaluated 2023-12-19.

Conditions:
ABCB4-related disorder. Also called: ABCB4-related disorders; ABCB4-related condition.

gnomAD v4.1: 4 of 1,613,728 alleles (0.00025%); highest among the groups gnomAD compares: Non-Finnish European, 0.00025%; no homozygotes.

Submissions (2):

Labcorp Genetics (formerly Invitae), Labcorp
Classification: Likely benign. Last evaluated: 2023-12-19. Review status: criteria provided, single submitter. Criteria: Invitae Variant Classification Sherloc (09022015). Collection method: clinical testing. Allele origin: germline.

PreventionGenetics, part of Exact Sciences
Classification: Likely benign for ABCB4-related condition. Last evaluated: 2023-11-22. Review status: no assertion criteria provided. Collection method: clinical testing. Allele origin: germline. Not counted in ClinVar's aggregate classification.
Comment: This variant is classified as likely benign based on ACMG/AMP sequence variant interpretation guidelines (Richards et al. 2015 PMID: 25741868, with internal and published modifications).

NM_000443.4(ABCB4):c.3381C>G (p.Ala1127=)

Gene: ABCB4 (ATP binding cassette subfamily B member 4; minus strand). Cytogenetic location: 7q21.12.
Variant type: single nucleotide variant.
Coding change: c.3381C>G on transcript NM_000443.4 (MANE Select); coding-DNA position 3381, C replaced by G.
Protein change: p.Ala1127=; no amino-acid change (alanine 1127 retained).
Molecular consequence: synonymous variant.
Genome position (GRCh38, 1-based): chr7:87,406,393, G>C on the plus strand (C>G on the coding strand, the complement: ABCB4 is on the minus strand). VCF-style: chr7-87406393-G-C. GRCh37 (hg19) VCF-style: chr7-87035709-G-C.
Other names: c.3402C>G, p.Ala1134= (NM_018849.3); c.3240C>G, p.Ala1080= (NM_018850.3); c.3381C>G (NM_000443.3).
Identifiers: ClinVar variation 2728073 (VCV002728073.5), dbSNP rs766402494, ClinGen allele CA456356893.